The following is an entry in ClinVar:

ClinVar aggregate classification (germline): Uncertain significance (1 of 4 stars; one submission).

Conditions:
Neutral lipid storage myopathy (NLSDM). Also called: NEUTRAL LIPID STORAGE DISEASE WITHOUT ICHTHYOSIS. Identifiers: Orphanet 98908, MedGen C1853136, MONDO:0012545, OMIM 610717.

gnomAD v4.1: 3 of 1,575,478 alleles (0.00019%); highest among the groups gnomAD compares: African/African-American, 0.0013%; no homozygotes.

Submission:

Labcorp Genetics (formerly Invitae), Labcorp
Classification: Uncertain significance for Neutral lipid storage myopathy. Last evaluated: 2020-01-17. Review status: criteria provided, single submitter. Criteria: Invitae Variant Classification Sherloc (09022015). Collection method: clinical testing. Allele origin: germline.
Comment: This sequence change replaces aspartic acid with asparagine at codon 466 of the PNPLA2 protein (p.Asp466Asn). The aspartic acid residue is weakly conserved and there is a small physicochemical difference between aspartic acid and asparagine. In summary, the available evidence is currently insufficient to determine the role of this variant in disease. Therefore, it has been classified as a Variant of Uncertain Significance. Algorithms developed to predict the effect of missense changes on protein structure and function (SIFT, PolyPhen-2, Align-GVGD) all suggest that this variant is likely to be tolerated, but these predictions have not been confirmed by published functional studies and their clinical significance is uncertain. This variant has not been reported in the literature in individuals with PNPLA2-related conditions. This variant is not present in population databases (ExAC no frequency).

NM_020376.4(PNPLA2):c.1396G>A (p.Asp466Asn)

Gene: PNPLA2 (patatin like domain 2, triacylglycerol lipase; plus strand). Cytogenetic location: 11p15.5.
Variant type: single nucleotide variant.
Coding change: c.1396G>A on transcript NM_020376.4 (MANE Select); coding-DNA position 1396, G replaced by A.
Protein change: p.Asp466Asn; replaces aspartic acid 466 with asparagine.
Molecular consequence: missense variant.
Genome position (GRCh38, 1-based): chr11:824,743, G>A. VCF-style: chr11-824743-G-A. GRCh37 (hg19) VCF-style: chr11-824743-G-A.
Other names: short protein forms D466N.
Identifiers: ClinVar variation 937615 (VCV000937615.9), dbSNP rs1166778655, ClinGen allele CA378985467.